The following is an entry in ClinVar:

NM_001367479.1(DNAH14):c.12571C>T (p.Gln4191Ter)

Gene: DNAH14 (dynein axonemal heavy chain 14; plus strand). Cytogenetic location: 1q42.12.
Variant type: single nucleotide variant.
Coding change: c.12571C>T on transcript NM_001367479.1 (MANE Select); coding-DNA position 12571, C replaced by T.
Protein change: p.Gln4191Ter; replaces glutamine 4191 with a stop codon.
Molecular consequence: nonsense.
Genome position (GRCh38, 1-based): chr1:225,377,291, C>T. VCF-style: chr1-225377291-C-T. GRCh37 (hg19) VCF-style: chr1-225564993-C-T.
Other names: NM_001373.1:c.12265C>T; short protein forms Q4191*.
Identifiers: ClinVar variation 3029448 (VCV003029448.2), dbSNP rs754737687, ClinGen allele CA38517848.

ClinVar aggregate classification (germline): Uncertain significance (0 of 4 stars; one submission).

Conditions:
DNAH14-related disorder. Also called: DNAH14-related condition.

Allele frequency attached by ClinVar (database versions not stated): gnomAD exomes 0.00002.
gnomAD v4.1: 22 of 1,542,040 alleles (0.0014%); highest among the groups gnomAD compares: Non-Finnish European, 0.0018%; no homozygotes.

Submission:

PreventionGenetics, part of Exact Sciences
Classification: Uncertain significance for DNAH14-related condition. Last evaluated: 2024-01-29. Review status: no assertion criteria provided. Collection method: clinical testing. Allele origin: germline.
Comment: The DNAH14 c.12265C>T variant is predicted to result in premature protein termination (p.Gln4089*). To our knowledge, this variant has not been reported in the literature or in a large population database, indicating this variant is rare. At this time, the clinical significance of this variant is uncertain due to the absence of conclusive functional and genetic evidence.